The following is an entry in ClinVar:

NM_004369.4(COL6A3):c.759_764del (p.Gly254_Ser255del)

Gene: COL6A3 (collagen type VI alpha 3 chain; minus strand). Cytogenetic location: 2q37.3.
Variant type: Deletion.
Coding change: c.759_764del on transcript NM_004369.4 (MANE Select); coding-DNA positions 759 to 764, 6 bases deleted (CGGAAG; older notation c.759_764delCGGAAG).
Protein change: p.Gly254_Ser255del.
Molecular consequence: inframe deletion. On other transcripts: intron variant (2).
Genome position (GRCh38, 1-based): chr2:237,388,130-237,388,135, CTTCCG deleted on the plus strand (CGGAAG on the coding strand, the reverse complement: COL6A3 is on the minus strand). VCF-style (leftmost placement, unchanged base first): chr2-237388129-ACTTCCG-A. GRCh37 (hg19) VCF-style: chr2-238296772-ACTTCCG-A.
Other names: c.141_146del, p.Gly48_Ser49del (NM_057165.5, NM_057167.4); c.92-6636_92-6631del (NM_057166.5, NM_057164.5).
Identifiers: ClinVar variation 2116005 (VCV002116005.4), dbSNP rs2469950117, ClinGen allele CA2580066098.

ClinVar aggregate classification (germline): Uncertain significance (1 of 4 stars; one submission).

Conditions:
Bethlem myopathy 1A. Also called: MYOPATHY, BENIGN CONGENITAL, WITH CONTRACTURES; Bethlem myopathy 1; Bethlem Muscular Dystrophy. Identifiers: Orphanet 610, MedGen CN029274, MONDO:0024530, OMIM 158810.

Submission:

Labcorp Genetics (formerly Invitae), Labcorp
Classification: Uncertain significance for Bethlem myopathy 1A. Last evaluated: 2022-07-26. Review status: criteria provided, single submitter. Criteria: Invitae Variant Classification Sherloc (09022015). Collection method: clinical testing. Allele origin: germline.
Comment: In summary, the available evidence is currently insufficient to determine the role of this variant in disease. Therefore, it has been classified as a Variant of Uncertain Significance. Experimental studies and prediction algorithms are not available or were not evaluated, and the functional significance of this variant is currently unknown. This variant has not been reported in the literature in individuals affected with COL6A3-related conditions. This variant is not present in population databases (gnomAD no frequency). This variant, c.759_764del, results in the deletion of 2 amino acid(s) of the COL6A3 protein (p.Gly254_Ser255del), but otherwise preserves the integrity of the reading frame.